The following is an entry in ClinVar:

ClinVar aggregate classification (germline): Uncertain significance (1 of 4 stars; one submission).

Conditions:
GATA binding protein 1 related thrombocytopenia with dyserythropoiesis. Also called: GATA1-Related X-Linked Cytopenia; GATA1-Related Cytopenia. Identifiers: MedGen C1845837, MONDO:0100089.
Diamond-Blackfan anemia. Also called: Blackfan Diamond syndrome; Aregenerative anemia chronic congenital; Red cell aplasia, pure hereditary; Congenital hypoplastic anemia; Aase syndrome. Identifiers: Orphanet 124, MedGen C1260899, MeSH D029503, MONDO:0015253, HP:0004810.

Allele frequency attached by ClinVar (database versions not stated): gnomAD exomes below 0.00001; TOPMed below 0.00001; gnomAD 0.00001.
gnomAD v4.1: 2 of 1,206,618 alleles (0.00017%); highest among the groups gnomAD compares: Non-Finnish European, 0.00022%; no homozygotes.

Submission:

Labcorp Genetics (formerly Invitae), Labcorp
Classification: Uncertain significance for GATA binding protein 1 related thrombocytopenia with dyserythropoiesis; Diamond-Blackfan anemia. Last evaluated: 2022-09-18. Review status: criteria provided, single submitter. Criteria: Invitae Variant Classification Sherloc (09022015). Collection method: clinical testing. Allele origin: germline.
Comment: This sequence change replaces valine, which is neutral and non-polar, with methionine, which is neutral and non-polar, at codon 278 of the GATA1 protein (p.Val278Met). This variant is not present in population databases (gnomAD no frequency). This variant has not been reported in the literature in individuals affected with GATA1-related conditions. Advanced modeling of protein sequence and biophysical properties (such as structural, functional, and spatial information, amino acid conservation, physicochemical variation, residue mobility, and thermodynamic stability) performed at Invitae indicates that this missense variant is expected to disrupt GATA1 protein function. In summary, the available evidence is currently insufficient to determine the role of this variant in disease. Therefore, it has been classified as a Variant of Uncertain Significance.

NM_002049.4(GATA1):c.832G>A (p.Val278Met)

Gene: GATA1 (GATA binding protein 1; plus strand). Cytogenetic location: Xp11.23.
Variant type: single nucleotide variant.
Coding change: c.832G>A on transcript NM_002049.4 (MANE Select); coding-DNA position 832, G replaced by A.
Protein change: p.Val278Met; replaces valine 278 with methionine.
Molecular consequence: missense variant.
Genome position (GRCh38, 1-based): chrX:48,793,259, G>A. VCF-style: chrX-48793259-G-A. GRCh37 (hg19) VCF-style: chrX-48651666-G-A.
Other names: short protein forms V278M.
Identifiers: ClinVar variation 2168198 (VCV002168198.4), dbSNP rs1182221051, ClinGen allele CA412871358.